The following is an entry in ClinVar:

NM_018979.4(WNK1):c.6995C>T (p.Pro2332Leu)

Gene: WNK1 (WNK lysine deficient protein kinase 1; plus strand). Cytogenetic location: 12p13.33.
Variant type: single nucleotide variant.
Coding change: c.6995C>T on transcript NM_018979.4 (MANE Select); coding-DNA position 6995, C replaced by T.
Protein change: p.Pro2332Leu; replaces proline 2332 with leucine.
Molecular consequence: missense variant.
Genome position (GRCh38, 1-based): chr12:908,638, C>T. VCF-style: chr12-908638-C-T. GRCh37 (hg19) VCF-style: chr12-1017804-C-T.
Other names: c.7775C>T, p.Pro2592Leu (NM_001184985.2); c.6251C>T, p.Pro2084Leu (NM_014823.3); c.7751C>T, p.Pro2584Leu (NM_213655.5); short protein forms P2084L, P2332L, P2584L, P2592L.
Identifiers: ClinVar variation 3749870 (VCV003749870.2).

ClinVar aggregate classification (germline): Uncertain significance (1 of 4 stars; one submission).

Conditions:
Neuropathy, hereditary sensory and autonomic, type 2A (HSAN2A). Also called: ACROOSTEOLYSIS, GIACCAI TYPE; ACROOSTEOLYSIS, NEUROGENIC; MORVAN DISEASE; NEUROPATHY, CONGENITAL SENSORY; NEUROPATHY, HEREDITARY SENSORY RADICULAR, AUTOSOMAL RECESSIVE; NEUROPATHY, HEREDITARY SENSORY, TYPE IIA. Identifiers: Orphanet 970, MedGen C2752089, MONDO:0024309, OMIM 201300.
Pseudohypoaldosteronism type 2C (PHA2C). Also called: Pseudohypoaldosteronism Type IIC. Identifiers: Orphanet 757, Orphanet 88940, MedGen C1840391, MONDO:0013778, OMIM 614492.

gnomAD v4.1: 1 of 1,614,216 alleles (0.000062%); highest among the groups gnomAD compares: Non-Finnish European, 0.000085%; no homozygotes.

Submission:

Labcorp Genetics (formerly Invitae), Labcorp
Classification: Uncertain significance for Neuropathy, hereditary sensory and autonomic, type 2A; Pseudohypoaldosteronism type 2C. Last evaluated: 2024-02-03. Review status: criteria provided, single submitter. Criteria: Invitae Variant Classification Sherloc (09022015). Collection method: clinical testing. Allele origin: germline.
Comment: This sequence change replaces proline, which is neutral and non-polar, with leucine, which is neutral and non-polar, at codon 2584 of the WNK1 protein (p.Pro2584Leu). This variant is not present in population databases (gnomAD no frequency). This variant has not been reported in the literature in individuals affected with WNK1-related conditions. Advanced modeling of protein sequence and biophysical properties (such as structural, functional, and spatial information, amino acid conservation, physicochemical variation, residue mobility, and thermodynamic stability) performed at Invitae indicates that this missense variant is not expected to disrupt WNK1 protein function with a negative predictive value of 95%. In summary, the available evidence is currently insufficient to determine the role of this variant in disease. Therefore, it has been classified as a Variant of Uncertain Significance.